The following is an entry in ClinVar:

NM_033362.4(MRPS12):c.135G>A (p.Pro45=)

Gene: MRPS12 (mitochondrial ribosomal protein S12; plus strand). Cytogenetic location: 19q13.2.
Variant type: single nucleotide variant.
Coding change: c.135G>A on transcript NM_033362.4 (MANE Select); coding-DNA position 135, G replaced by A.
Protein change: p.Pro45=; no amino-acid change (proline 45 retained).
Molecular consequence: synonymous variant.
Genome position (GRCh38, 1-based): chr19:38,932,418, G>A. VCF-style: chr19-38932418-G-A. GRCh37 (hg19) VCF-style: chr19-39423058-G-A.
Other names: c.135G>A, p.Pro45= (NM_021107.1, NM_033363.1).
Identifiers: ClinVar variation 2649828 (VCV002649828.24), dbSNP rs138168830, ClinGen allele CA9423469.

ClinVar aggregate classification (germline): Likely benign (1 of 4 stars; one submission).

Allele frequency attached by ClinVar (database versions not stated): gnomAD 0.00001; TOPMed 0.00001; ExAC 0.00002; ESP Exome Variant Server 0.00008; 1000 Genomes Project 30x 0.00016; 1000 Genomes Project 0.00020.
gnomAD v4.1: 8 of 1,609,236 alleles (0.0005%); highest among the groups gnomAD compares: Middle Eastern, 0.017%; no homozygotes.

Submission:

CeGaT Center for Human Genetics Tuebingen
Classification: Likely benign. Last evaluated: 2023-03-01. Review status: criteria provided, single submitter. Criteria: CeGaT Center For Human Genetics Tuebingen Variant Classification Criteria Version 2. Collection method: clinical testing. Allele origin: germline. Affected: yes. Observed: 1 variant allele.
Comment: MRPS12: BP4, BP7